The following is an entry in ClinVar:

NM_206933.4(USH2A):c.14134-3169A>G

Gene: USH2A (usherin; minus strand). Cytogenetic location: 1q41.
Variant type: single nucleotide variant.
Coding change: c.14134-3169A>G on transcript NM_206933.4 (MANE Select); 3169 bases into the intron before coding-DNA position 14134, A replaced by G.
Molecular consequence: intron variant.
Genome position (GRCh38, 1-based): chr1:215,653,970, T>C on the plus strand (A>G on the coding strand, the complement: USH2A is on the minus strand). VCF-style: chr1-215653970-T-C. GRCh37 (hg19) VCF-style: chr1-215827312-T-C.
Other names: NP_996816.3:p.?; c.14134-3169A>G (NM_206933.2).
Identifiers: ClinVar variation 1492129 (VCV001492129.11), dbSNP rs998302546, ClinGen allele CA37395270.

ClinVar aggregate classification (germline): Pathogenic/Likely pathogenic. Review status: criteria provided, multiple submitters, no conflicts (2 of 4 stars). 7 submissions from 5 submitters: Pathogenic (3); Likely pathogenic (4). Last evaluated 2026-05-29.

Conditions:
Usher syndrome. Also called: Usher's syndrome; Usher Syndromes. Identifiers: Orphanet 886, MedGen CN469326, MeSH D052245, MONDO:0019501. Disease mechanism: loss of function.
Retinitis pigmentosa (RP). Identifiers: Orphanet 791, MedGen C0035334, MeSH D012174, MONDO:0019200, OMIM 268000. Inheritance: Autosomal dominant, autosomal recessive and X linked inheritance.
Usher syndrome type 2A. Also called: USHER SYNDROME, TYPE IIA; RETINAL DISEASE IN USHER SYNDROME TYPE IIA, MODIFIER OF. Identifiers: Orphanet 231178, Orphanet 886, MedGen C1848634, MONDO:0010169, OMIM 276901.
Retinitis pigmentosa 39 (RP39). Identifiers: Orphanet 791, MedGen C3151138, MONDO:0013436, OMIM 613809.
USH2A-related disorder. Also called: USH2A-related condition; USH2A-related disorders. Identifiers: MedGen CN239332.

Allele frequency attached by ClinVar (database versions not stated): gnomAD 0.00001; TOPMed 0.00006.
gnomAD v4.1: 2 of 152,176 alleles (0.0013%); highest among the groups gnomAD compares: Admixed American, 0.0065%; no homozygotes.

Submissions (7):

PreventionGenetics, part of Exact Sciences
Classification: Pathogenic for USH2A-related condition. Last evaluated: 2026-05-29. Review status: criteria provided, single submitter. Criteria: ACMG Guidelines, 2015. Collection method: clinical testing. Allele origin: germline.
Comment: The USH2A c.14134-3169A>G variant is predicted to interfere with splicing. This deep intronic variant has been reported in individuals with Usher syndrome (see, for example, Table S2, Baux et al. 2017. PubMed ID: 29196752; Table S2, Mansard et al. 2021. PubMed ID: 34948090; Table S2, Peter et al. 2023. PubMed ID: 36909829; Supplementary table 1, Schlottmann et al. 2023. PubMed ID: 37217489; Cortinhal et al. 2024. PubMed ID: 38189974; Nam et al. 2023. PubMed ID: 37981655). In vitro studies have demonstrated that the variant results in the inclusion of a pseudoexon and introduction of a premature stop codon (Baux et al. 2017. PubMed ID: 29196752). This variant has not been reported in a large population database (gnomAD), indicating this variant is rare. This variant is interpreted as pathogenic.

Labcorp Genetics (formerly Invitae), Labcorp
Classification: Pathogenic. Last evaluated: 2025-11-10. Review status: criteria provided, single submitter. Criteria: Invitae Variant Classification Sherloc (09022015). Collection method: clinical testing. Allele origin: germline.
Comment: This sequence change falls in intron 64 of the USH2A gene. It does not directly change the encoded amino acid sequence of the USH2A protein. This variant is not present in population databases (gnomAD no frequency). This variant has been observed in individual(s) with USH2A-related conditions (PMID: 29196752; internal data). In at least one individual the data is consistent with being in trans (on the opposite chromosome) from a pathogenic variant. ClinVar contains an entry for this variant (Variation ID: 1492129). Studies have shown that this variant alters mRNA splicing and is expected to lead to the loss of protein expression (PMID: 29196752). For these reasons, this variant has been classified as Pathogenic.

Women's Health and Genetics/Laboratory Corporation of America, LabCorp
Classification: Pathogenic for Usher syndrome. Last evaluated: 2025-02-03. Review status: criteria provided, single submitter. Criteria: LabCorp Variant Classification Summary - May 2015. Collection method: clinical testing. Allele origin: germline.
Comment: Variant summary: USH2A c.14134-3169A>G is located at a position not widely known to affect splicing. Several computational tools predict a significant impact on normal splicing: Three predict the variant creates a 5' donor site. One predicts the variant strengthens a cryptic 3' acceptor site. At least one publication reports experimental evidence that this variant affects mRNA splicing in vitro, creating a pseudoexon encoding a novel stop codon predicted to result in nonsense mediated decay (Baux_2017). The variant allele was found at a frequency of 1.3e-05 in 152176 control chromosomes. c.14134-3169A>G has been reported in the presumed compound heterozygous state in the literature in multiple individuals affected with USH2A-related conditions (example, Baux_2017, Schlottman_2023, Labcorp Genetics (formerly Invitae)). These data indicate that the variant is likely to be associated with disease. The following publications have been ascertained in the context of this evaluation (PMID: 29196752, 37217489). ClinVar contains an entry for this variant (Variation ID: 1492129). Based on the evidence outlined above, the variant was classified as pathogenic.

Ophthalmic Genetics Group, Institute of Molecular and Clinical Ophthalmology Basel
Classification: Likely pathogenic for Usher syndrome. Last evaluated: 2023-07-24. Review status: criteria provided, single submitter. Criteria: ACMG Guidelines, 2015. Collection method: research. Allele origin: germline. Affected: yes. Observed: 1 variant allele.
Comment: Clinical significance based on ACMG v2.0

This variant was classified as Likely pathogenic based on ACMG criteria: PP5, PM2.

Ophthalmic Genetics Group, Institute of Molecular and Clinical Ophthalmology Basel
Classification: Likely pathogenic for Retinitis pigmentosa. Last evaluated: 2023-07-24. Review status: criteria provided, single submitter. Criteria: ACMG Guidelines, 2015. Collection method: research. Allele origin: germline. Affected: yes. Observed: 1 variant allele.
Comment: the same text as in the submission from Ophthalmic Genetics Group, Institute of Molecular and Clinical Ophthalmology Basel above.

Genome-Nilou Lab
Classification: Likely pathogenic for Retinitis pigmentosa 39. Last evaluated: 2023-04-11. Review status: criteria provided, single submitter. Criteria: ACMG Guidelines, 2015. Collection method: clinical testing. Allele origin: germline. Affected: no.

Genome-Nilou Lab
Classification: Likely pathogenic for Usher syndrome type 2A. Last evaluated: 2023-04-11. Review status: criteria provided, single submitter. Criteria: ACMG Guidelines, 2015. Collection method: clinical testing. Allele origin: germline. Affected: no.

Literature cited by the submitters: PubMed 29196752 (cited by Labcorp Genetics (formerly Invitae), Labcorp and Women's Health and Genetics/Laboratory Corporation of America, LabCorp); PubMed 37217489 (cited by Women's Health and Genetics/Laboratory Corporation of America, LabCorp); PubMed 36909829 (cited by Ophthalmic Genetics Group, Institute of Molecular and Clinical Ophthalmology Basel).